The following is an entry in ClinVar:

NM_001613.4(ACTA2):c.455-3C>A

Gene: ACTA2 (actin alpha 2, smooth muscle; minus strand). Cytogenetic location: 10q23.31.
Variant type: single nucleotide variant.
Coding change: c.455-3C>A on transcript NM_001613.4 (MANE Select); 3 bases into the intron before coding-DNA position 455, C replaced by A.
Molecular consequence: intron variant.
Genome position (GRCh38, 1-based): chr10:88,941,393, G>T on the plus strand (C>A on the coding strand, the complement: ACTA2 is on the minus strand). VCF-style: chr10-88941393-G-T. GRCh37 (hg19) VCF-style: chr10-90701150-G-T.
Other names: c.326-3C>A (NM_001406467.1, NM_001406468.1, NM_001406469.1); c.455-3C>A (NM_001320855.2, NM_001406462.1, NM_001406471.1 and 3 more transcripts); c.344-3C>A (NM_001406466.1).
Identifiers: ClinVar variation 2984788 (VCV002984788.3), dbSNP rs1845848948, ClinGen allele CA930979675.

ClinVar aggregate classification (germline): Uncertain significance (1 of 4 stars; one submission).

Conditions:
Aortic aneurysm, familial thoracic 6 (AAT6). Also called: FAMILIAL THORACIC AORTIC ANEURYSM WITH LIVEDO RETICULARIS AND IRIS FLOCCULI. Identifiers: MedGen C2673186, MONDO:0012730, OMIM 611788.

Allele frequency attached by ClinVar (database versions not stated): gnomAD exomes below 0.00001; TOPMed below 0.00001; gnomAD 0.00001.
gnomAD v4.1: 3 of 1,613,824 alleles (0.00019%); highest among the groups gnomAD compares: Non-Finnish European, 0.00025%; no homozygotes.

Submission:

Labcorp Genetics (formerly Invitae), Labcorp
Classification: Uncertain significance for Aortic aneurysm, familial thoracic 6. Last evaluated: 2023-06-15. Review status: criteria provided, single submitter. Criteria: Invitae Variant Classification Sherloc (09022015). Collection method: clinical testing. Allele origin: germline.
Comment: In summary, the available evidence is currently insufficient to determine the role of this variant in disease. Therefore, it has been classified as a Variant of Uncertain Significance. This sequence change falls in intron 5 of the ACTA2 gene. It does not directly change the encoded amino acid sequence of the ACTA2 protein. It affects a nucleotide within the consensus splice site. This variant is not present in population databases (gnomAD no frequency). This variant has not been reported in the literature in individuals affected with ACTA2-related conditions. Variants that disrupt the consensus splice site are a relatively common cause of aberrant splicing (PMID: 17576681, 9536098). Algorithms developed to predict the effect of sequence changes on RNA splicing suggest that this variant may create or strengthen a splice site.

Literature cited by the submitters: PubMed 17576681; PubMed 9536098.